The following is an entry in ClinVar:

ClinVar aggregate classification (germline): Uncertain significance (1 of 4 stars; one submission).

Conditions:
Hereditary cancer-predisposing syndrome. Also called: Tumor predisposition; Hereditary neoplastic syndrome; Hereditary Cancer Syndrome; Neoplastic Syndromes, Hereditary. Identifiers: Orphanet 140162, MedGen C0027672, MeSH D009386, MONDO:0015356.

Submission:

Ambry Genetics
Classification: Uncertain significance for Hereditary cancer-predisposing syndrome. Last evaluated: 2024-02-25. Review status: criteria provided, single submitter. Criteria: Ambry Variant Classification Scheme 2023. Collection method: clinical testing. Allele origin: germline.
Comment: The p.R116S variant (also known as c.348G>T), located in coding exon 4 of the SDHB gene, results from a G to T substitution at nucleotide position 348. The arginine at codon 116 is replaced by serine, an amino acid with dissimilar properties. This amino acid position is conserved. In addition, this alteration is predicted to be deleterious by in silico analysis. Based on the available evidence, the clinical significance of this alteration remains unclear.

NM_003000.3(SDHB):c.348G>T (p.Arg116Ser)

Gene: SDHB (succinate dehydrogenase complex iron sulfur subunit B; minus strand). Cytogenetic location: 1p36.13.
Variant type: single nucleotide variant.
Coding change: c.348G>T on transcript NM_003000.3 (MANE Select); coding-DNA position 348, G replaced by T.
Protein change: p.Arg116Ser; replaces arginine 116 with serine.
Molecular consequence: missense variant.
Genome position (GRCh38, 1-based): chr1:17,028,675, C>A on the plus strand (G>T on the coding strand, the complement: SDHB is on the minus strand). VCF-style: chr1-17028675-C-A. GRCh37 (hg19) VCF-style: chr1-17355170-C-A.
Other names: c.348G>T, p.Arg116Ser (NM_001407361.1); short protein forms R116S.
Identifiers: ClinVar variation 3223006 (VCV003223006.1), dbSNP rs1460143256, ClinGen allele CA338274621.
Genomic context (GRCh38, chr1:17,028,675, plus strand): 5'-TATCACATACATGTGTGGAAGAGGGTAGATTTTTGAGACCTTATTGAGGTTGGTGTCAAT[C>A]CTTCGGGTGCAAGCTAGAGTGTTGCCTCCATTGATGTTCATTGCACAAGAGCCACAGATG-3'
Protein context (NP_002991.2, residues 106-126): NGGNTLACTR[Arg116Ser]IDTNLNKVSK